The following is an entry in ClinVar:

NM_000161.3(GCH1):c.158G>T (p.Trp53Leu)

Gene: GCH1 (GTP cyclohydrolase 1; minus strand). Cytogenetic location: 14q22.2.
Variant type: single nucleotide variant.
Coding change: c.158G>T on transcript NM_000161.3 (MANE Select); coding-DNA position 158, G replaced by T.
Protein change: p.Trp53Leu; replaces tryptophan 53 with leucine.
Molecular consequence: missense variant.
Genome position (GRCh38, 1-based): chr14:54,902,506, C>A on the plus strand (G>T on the coding strand, the complement: GCH1 is on the minus strand). VCF-style: chr14-54902506-C-A. GRCh37 (hg19) VCF-style: chr14-55369224-C-A.
Other names: c.158G>T, p.Trp53Leu (NM_001024024.2, NM_001024070.2, NM_001024071.2 and 1 more transcripts); short protein forms W53L.
Identifiers: ClinVar variation 3748160 (VCV003748160.2).

ClinVar aggregate classification (germline): Uncertain significance (1 of 4 stars; one submission).

Conditions:
GTP cyclohydrolase I deficiency. Identifiers: MedGen C0268467, MONDO:0100184.
Dystonia 5 (DRD). Also called: DYT-GCH1; DYSTONIA, PROGRESSIVE, WITH DIURNAL VARIATION; DYSTONIA-PARKINSONISM WITH DIURNAL FLUCTUATION; Dystonia, DOPA-responsive, with or without hyperphenylalaninemia; GTP Cyclohydrolase 1-Deficient Dopa-Responsive Dystonia. Identifiers: Orphanet 98808, MedGen C1851920, MONDO:0007495, OMIM 128230.

gnomAD v4.1: 3 of 1,602,502 alleles (0.00019%); highest among the groups gnomAD compares: Non-Finnish European, 0.00026%; no homozygotes.

Submission:

Labcorp Genetics (formerly Invitae), Labcorp
Classification: Uncertain significance for GTP cyclohydrolase I deficiency; Dystonia 5. Last evaluated: 2024-10-08. Review status: criteria provided, single submitter. Criteria: Invitae Variant Classification Sherloc (09022015). Collection method: clinical testing. Allele origin: germline.
Comment: This sequence change replaces tryptophan, which is neutral and slightly polar, with leucine, which is neutral and non-polar, at codon 53 of the GCH1 protein (p.Trp53Leu). This variant is not present in population databases (gnomAD no frequency). This variant has not been reported in the literature in individuals affected with GCH1-related conditions. Invitae Evidence Modeling of protein sequence and biophysical properties (such as structural, functional, and spatial information, amino acid conservation, physicochemical variation, residue mobility, and thermodynamic stability) indicates that this missense variant is not expected to disrupt GCH1 protein function with a negative predictive value of 95%. In summary, the available evidence is currently insufficient to determine the role of this variant in disease. Therefore, it has been classified as a Variant of Uncertain Significance.